The following is an entry in ClinVar:

NM_198578.4(LRRK2):c.4825C>A (p.Gln1609Lys)

Gene: LRRK2 (leucine rich repeat kinase 2; plus strand). Cytogenetic location: 12q12.
Variant type: single nucleotide variant.
Coding change: c.4825C>A on transcript NM_198578.4 (MANE Select); coding-DNA position 4825, C replaced by A.
Protein change: p.Gln1609Lys; replaces glutamine 1609 with lysine.
Molecular consequence: missense variant.
Genome position (GRCh38, 1-based): chr12:40,315,298, C>A. VCF-style: chr12-40315298-C-A. GRCh37 (hg19) VCF-style: chr12-40709100-C-A.
Other names: short protein forms Q1609K.
Identifiers: ClinVar variation 3617839 (VCV003617839.2).

ClinVar aggregate classification (germline): Uncertain significance (1 of 4 stars; one submission).

Conditions:
Autosomal dominant Parkinson disease 8. Also called: Parkinson disease 8, susceptibility to; LRRK2-Related Parkinson Disease; Parkinson disease 8. Identifiers: Orphanet 411602, MedGen C1846862, MONDO:0011764, OMIM 607060.

gnomAD v4.1: 13 of 1,611,100 alleles (0.00081%); highest among the groups gnomAD compares: Non-Finnish European, 0.001%; no homozygotes.

Submission:

Labcorp Genetics (formerly Invitae), Labcorp
Classification: Uncertain significance for Autosomal dominant Parkinson disease 8. Last evaluated: 2024-06-11. Review status: criteria provided, single submitter. Criteria: Invitae Variant Classification Sherloc (09022015). Collection method: clinical testing. Allele origin: germline.
Comment: This sequence change replaces glutamine, which is neutral and polar, with lysine, which is basic and polar, at codon 1609 of the LRRK2 protein (p.Gln1609Lys). This variant is present in population databases (rs200841263, gnomAD 0.002%). This variant has not been reported in the literature in individuals affected with LRRK2-related conditions. An algorithm developed to predict the effect of missense changes on protein structure and function (PolyPhen-2) suggests that this variant is likely to be tolerated. In summary, the available evidence is currently insufficient to determine the role of this variant in disease. Therefore, it has been classified as a Variant of Uncertain Significance.